The following is an entry in ClinVar:

ClinVar aggregate classification (germline): Uncertain significance (1 of 4 stars; one submission).

gnomAD v4.1: 12 of 1,613,104 alleles (0.00074%); highest among the groups gnomAD compares: Admixed American, 0.005%; no homozygotes.

Submission:

Labcorp Genetics (formerly Invitae), Labcorp
Classification: Uncertain significance. Last evaluated: 2025-07-27. Review status: criteria provided, single submitter. Criteria: Invitae Variant Classification Sherloc (09022015). Collection method: clinical testing. Allele origin: germline.
Comment: This sequence change affects codon 62 of the MARS2 mRNA. It is a 'silent' change, meaning that it does not change the encoded amino acid sequence of the MARS2 protein. This variant is present in population databases (no rsID available, gnomAD 0.007%). This variant has not been reported in the literature in individuals affected with MARS2-related conditions. Experimental studies and prediction algorithms are not available or were not evaluated, and the effect of this variant on mRNA splicing is currently unknown. In summary, the available evidence is currently insufficient to determine the role of this variant in disease. Therefore, it has been classified as a Variant of Uncertain Significance.

NM_138395.4(MARS2):c.186C>T (p.His62=)

Genes: MARS2 (methionyl-tRNA synthetase 2, mitochondrial; plus strand), LOC129935365 (ATAC-STARR-seq lymphoblastoid active region 16942; plus strand). Cytogenetic location: 2q33.1.
Variant type: single nucleotide variant.
Coding change: c.186C>T on transcript NM_138395.4 (MANE Select); coding-DNA position 186, C replaced by T.
Protein change: p.His62=; no amino-acid change (histidine 62 retained).
Molecular consequence: synonymous variant.
Genome position (GRCh38, 1-based): chr2:197,705,591, C>T. VCF-style: chr2-197705591-C-T. GRCh37 (hg19) VCF-style: chr2-198570315-C-T.
Identifiers: ClinVar variation 4750840 (VCV004750840.1).
Genomic context (GRCh38, chr2:197,705,591, plus strand): 5'-TGTGCGCGCCTACTTCACTACACCCATTTTCTACGTGAACGCGGCGCCGCACATCGGGCA[C>T]CTGTACTCGGCACTACTGGCGGACGCCCTATGCCGCCACCGTCGCCTCCGAGGTCCCAGC-3'
Protein context (NP_612404.1, residues 52-72): FYVNAAPHIG[His62=]LYSALLADAL